The following is an entry in ClinVar:

NM_001003699.4(RREB1):c.777_780del (p.Lys259fs)

Gene: RREB1 (ras responsive element binding protein 1; plus strand). Cytogenetic location: 6p24.3.
Variant type: Microsatellite.
Coding change: c.777_780del on transcript NM_001003699.4 (MANE Select); coding-DNA positions 777 to 780, 4 bases deleted (ACAA; older notation c.777_780delACAA).
Protein change: p.Lys259fs; shifts the reading frame from lysine 259.
Molecular consequence: frameshift variant.
Genome position (GRCh38, 1-based): chr6:7,226,536-7,226,539, ACAA deleted; deleting any 4 consecutive bases within chr6:7,226,532-7,226,539 gives the same sequence; the c. name uses the placement nearest the transcript's 3' end. VCF-style (leftmost placement, unchanged base first): chr6-7226531-CACAA-C. GRCh37 (hg19) VCF-style: chr6-7226764-CACAA-C.
Other names: c.777_780del, p.Lys259fs (NM_001003698.4, NM_001003700.2, NM_001168344.2); short protein forms K259fs.
Identifiers: ClinVar variation 3693509 (VCV003693509.2).

ClinVar aggregate classification (germline): Pathogenic (1 of 4 stars; one submission).

Submission:

Labcorp Genetics (formerly Invitae), Labcorp
Classification: Pathogenic. Last evaluated: 2024-04-04. Review status: criteria provided, single submitter. Criteria: Invitae Variant Classification Sherloc (09022015). Collection method: clinical testing. Allele origin: germline.
Comment: This sequence change creates a premature translational stop signal (p.Lys259Asnfs*25) in the RREB1 gene. It is expected to result in an absent or disrupted protein product. Loss-of-function variants in RREB1 are known to be pathogenic (PMID: 38332451, 32938917). This variant is not present in population databases (gnomAD no frequency). This variant has not been reported in the literature in individuals affected with RREB1-related conditions. For these reasons, this variant has been classified as Pathogenic.

Literature cited by the submitters: PubMed 38332451; PubMed 32938917.